The following is an entry in ClinVar:

ClinVar aggregate classification (germline): Benign/Likely benign. Review status: criteria provided, multiple submitters, no conflicts (2 of 4 stars). 3 submissions from 3 submitters: Benign (1); Likely benign (2). Last evaluated 2026-09-01.

Conditions:
Autism, susceptibility to, 17. Also called: Autism susceptibility 17. Identifiers: MedGen C3150693, MONDO:0013265, OMIM 613436.

Allele frequency attached by ClinVar (database versions not stated): ESP Exome Variant Server 0.00008; gnomAD 0.00020 and 0.00022; TOPMed 0.00030; ExAC 0.00035; gnomAD exomes 0.00046.
gnomAD v4.1: 295 of 1,608,764 alleles (0.018%); highest among the groups gnomAD compares: Admixed American, 0.22%; 1 homozygote.

Submissions (3):

CeGaT Center for Human Genetics Tuebingen
Classification: Likely benign. Last evaluated: 2026-09-01. Review status: criteria provided, single submitter. Criteria: CeGaT Center For Human Genetics Tuebingen Variant Classification Criteria Version 2. Collection method: clinical testing. Allele origin: germline. Affected: yes. Observed: 2 variant alleles.
Comment: SHANK2: BP4, BP7

Fulgent Genetics
Classification: Likely benign for Autism, susceptibility to, 17. Last evaluated: 2022-04-08. Review status: criteria provided, single submitter. Criteria: ACMG Guidelines, 2015. Collection method: clinical testing. Allele origin: unknown.

Labcorp Genetics (formerly Invitae), Labcorp
Classification: Benign. Last evaluated: 2018-06-05. Review status: criteria provided, single submitter. Criteria: Invitae Variant Classification Sherloc (09022015). Collection method: clinical testing. Allele origin: germline.

NM_012309.5(SHANK2):c.5025G>A (p.Thr1675=)

Gene: SHANK2 (SH3 and multiple ankyrin repeat domains 2; minus strand). Cytogenetic location: 11q13.3.
Variant type: single nucleotide variant.
Coding change: c.5025G>A on transcript NM_012309.5 (MANE Select); coding-DNA position 5025, G replaced by A.
Protein change: p.Thr1675=; no amino-acid change (threonine 1675 retained).
Molecular consequence: synonymous variant. On other transcripts: non-coding transcript variant (1).
Genome position (GRCh38, 1-based): chr11:70,473,394, C>T on the plus strand (G>A on the coding strand, the complement: SHANK2 is on the minus strand). VCF-style: chr11-70473394-C-T. GRCh37 (hg19) VCF-style: chr11-70319499-C-T.
Other names: c.3888G>A, p.Thr1296= (NM_001379226.1); c.3261G>A, p.Thr1087= (NM_133266.5).
Identifiers: ClinVar variation 723526 (VCV000723526.6), dbSNP rs147288898, ClinGen allele CA6160785.